The following is an entry in ClinVar:

NM_024685.4(BBS10):c.1360A>G (p.Ser454Gly)

Gene: BBS10 (Bardet-Biedl syndrome 10; minus strand). Cytogenetic location: 12q21.2.
Variant type: single nucleotide variant.
Coding change: c.1360A>G on transcript NM_024685.4 (MANE Select); coding-DNA position 1360, A replaced by G.
Protein change: p.Ser454Gly; replaces serine 454 with glycine.
Molecular consequence: missense variant.
Genome position (GRCh38, 1-based): chr12:76,346,625, T>C on the plus strand (A>G on the coding strand, the complement: BBS10 is on the minus strand). VCF-style: chr12-76346625-T-C. GRCh37 (hg19) VCF-style: chr12-76740405-T-C.
Other names: c.1360A>G (NM_024685.3); short protein forms S454G.
Identifiers: ClinVar variation 1044570 (VCV001044570.10), dbSNP rs933207351, ClinGen allele CA239331868.

ClinVar aggregate classification (germline): Uncertain significance. Review status: criteria provided, multiple submitters, no conflicts (2 of 4 stars). 4 submissions from 4 submitters: Uncertain significance (3). 1 of the submissions does not count toward it. Last evaluated 2025-04-30.

Conditions:
BBS10-related disorder. Also called: BBS10-related condition.
Bardet-Biedl syndrome (BBS). Identifiers: Orphanet 110, MedGen C0752166, MONDO:0015229.
Bardet-Biedl syndrome 10 (BBS10). Identifiers: Orphanet 110, MedGen C1859568, MONDO:0014438, OMIM 615987.
Inborn genetic diseases. Identifiers: MedGen C0950123, MeSH D030342.

Allele frequency attached by ClinVar (database versions not stated): gnomAD 0.00001; TOPMed 0.00001.

Submissions (4):

Ambry Genetics
Classification: Uncertain significance for Inborn genetic diseases. Last evaluated: 2025-04-30. Review status: criteria provided, single submitter. Criteria: Ambry Variant Classification Scheme 2023. Collection method: clinical testing. Allele origin: germline.

PreventionGenetics, part of Exact Sciences
Classification: Uncertain significance for BBS10-related condition. Last evaluated: 2025-04-07. Review status: criteria provided, single submitter. Criteria: ACMG Guidelines, 2015. Collection method: clinical testing. Allele origin: germline.
Comment: The BBS10 c.1360A>G variant is predicted to result in the amino acid substitution p.Ser454Gly. To our knowledge, this variant has not been reported in the literature or in a large population database (gnomAD), indicating this variant is rare. At this time, the clinical significance of this variant is uncertain due to the absence of conclusive functional and genetic evidence.

Labcorp Genetics (formerly Invitae), Labcorp
Classification: Uncertain significance for Bardet-Biedl syndrome. Last evaluated: 2022-06-13. Review status: criteria provided, single submitter. Criteria: Invitae Variant Classification Sherloc (09022015). Collection method: clinical testing. Allele origin: germline.
Comment: This sequence change replaces serine, which is neutral and polar, with glycine, which is neutral and non-polar, at codon 454 of the BBS10 protein (p.Ser454Gly). This variant is not present in population databases (gnomAD no frequency). This variant has not been reported in the literature in individuals affected with BBS10-related conditions. ClinVar contains an entry for this variant (Variation ID: 1044570). Algorithms developed to predict the effect of missense changes on protein structure and function (SIFT, PolyPhen-2, Align-GVGD) all suggest that this variant is likely to be tolerated. In summary, the available evidence is currently insufficient to determine the role of this variant in disease. Therefore, it has been classified as a Variant of Uncertain Significance.

Natera, Inc.
Classification: Uncertain significance for Bardet-Biedl syndrome type 10. Last evaluated: 2020-09-28. Review status: no assertion criteria provided. Collection method: clinical testing. Allele origin: germline. Not counted in ClinVar's aggregate classification.